The following is an entry in ClinVar:

NM_001130987.2(DYSF):c.3756T>C (p.Tyr1252=)

Gene: DYSF (dysferlin; plus strand). Cytogenetic location: 2p13.2.
Variant type: single nucleotide variant.
Coding change: c.3756T>C on transcript NM_001130987.2 (MANE Select); coding-DNA position 3756, T replaced by C.
Protein change: p.Tyr1252=; no amino-acid change (tyrosine 1252 retained).
Molecular consequence: synonymous variant.
Genome position (GRCh38, 1-based): chr2:71,598,745, T>C. VCF-style: chr2-71598745-T-C. GRCh37 (hg19) VCF-style: chr2-71825875-T-C.
Other names: NM_001130987.2(DYSF):c.3756T>C; p.Tyr1252=; c.3705T>C, p.Tyr1235= (NM_001130455.2, NM_001130983.2); c.3660T>C, p.Tyr1220= (NM_001130976.2, NM_001130977.2); c.3702T>C, p.Tyr1234= (NM_001130978.2, NM_003494.4); c.3795T>C, p.Tyr1265= (NM_001130979.2); c.3753T>C, p.Tyr1251= (NM_001130980.2, NM_001130981.2); c.3798T>C, p.Tyr1266= (NM_001130982.2); and 2 more.
Identifiers: ClinVar variation 167024 (VCV000167024.20), dbSNP rs141720146, ClinGen allele CA233935.

ClinVar aggregate classification (germline): Likely benign. Review status: reviewed by expert panel (3 of 4 stars). 6 submissions from 6 submitters: Likely benign (1). 5 of the submissions do not count toward it. Last evaluated 2025-10-29.

Conditions:
Neuromuscular disease caused by qualitative or quantitative defects of dysferlin. Also called: Dysferlinopathy; Qualitative or quantitative defects of dysferlin. Identifiers: Orphanet 207073, MedGen C2931687, MONDO:0016145.
Autosomal recessive limb-girdle muscular dystrophy. Identifiers: Orphanet 102015, MedGen C2931907, MONDO:0015152.
Autosomal recessive limb-girdle muscular dystrophy type 2B (LGMDR2). Also called: MUSCULAR DYSTROPHY, LIMB-GIRDLE, TYPE 3; MUSCULAR DYSTROPHY, LIMB-GIRDLE, AUTOSOMAL RECESSIVE 2; Limb-girdle muscular dystrophy, type 2B; Limb-Girdle Muscular Dystrophy Type 2B (LGMD2B). Identifiers: Orphanet 268, MedGen C1850889, MONDO:0009676, OMIM 253601.

Allele frequency attached by ClinVar (database versions not stated): ExAC 0.00013; ESP Exome Variant Server 0.00015; gnomAD 0.00015 and 0.00017; gnomAD exomes 0.00016 and 0.00017; TOPMed 0.00020.
gnomAD v4.1: 261 of 1,611,652 alleles (0.016%); highest among the groups gnomAD compares: Admixed American, 0.058%; 1 homozygote.

Submissions (7):

ClinGen Limb Girdle Muscular Dystrophy Variant Curation Expert Panel, ClinGen
Classification: Likely benign for Autosomal recessive limb-girdle muscular dystrophy. Last evaluated: 2025-10-29. Review status: reviewed by expert panel. Criteria: ClinGen LGMD VCEP ACMG Specifications DYSF V2.0.0. Collection method: curation. Allele origin: germline. Inheritance: Autosomal recessive inheritance.
Comment: The NM_003494.4: c.3702T>C p.(Tyr1234=) variant in DYSF, which is also known as NM_001130987.2: c.3756T>C (p.Tyr1252=), is a synonymous (silent) variant that affects the last nucleotide of exon 33. The SpliceAI prediction score for this variant is 0.00 (BP4), and RNASeq data showed this variant does not affect splicing (PMID: 36983702; BP7_Strong_RNA). This variant has been identified in three individuals with suspected LGMD, all with at least two additional DYSF variants including those classified as pathogenic. However, phase was not known in any of these individuals (PMID: 18853459, 36983702; PM3 and BP2 not met). The Grpmax variant allele frequency for this variant in gnomAD v4.1.0 is 0.0005834 (35/59994 Admixed American chromosomes), which is greater than the LGMD VCEP threshold (<0.0001) for PM2_Supporting (criterion not met). This population also includes one homozygous individual. In summary, this variant meets the criteria to be classified as Likely Benign for autosomal recessive limb girdle muscular dystrophy based on the ACMG/AMP criteria applied, as specified by the ClinGen LGMD VCEP (LGMD VCEP specifications version 2.0.0; 10/29/2025): BP4, BP7_Strong_RNA.

Labcorp Genetics (formerly Invitae), Labcorp
Classification: Likely benign for Neuromuscular disease caused by qualitative or quantitative defects of dysferlin. Last evaluated: 2026-01-26. Review status: criteria provided, single submitter. Criteria: Invitae Variant Classification Sherloc (09022015). Collection method: clinical testing. Allele origin: germline. Not counted in ClinVar's aggregate classification.

Blueprint Genetics
Classification: Likely benign. Last evaluated: 2024-10-04. Review status: criteria provided, single submitter. Criteria: ACMG Guidelines, 2015. Collection method: clinical testing. Allele origin: germline. Not counted in ClinVar's aggregate classification.

GeneDx
Classification: Likely benign. Last evaluated: 2019-01-02. Review status: criteria provided, single submitter. Criteria: GeneDx Variant Classification Process June 2021. Collection method: clinical testing. Allele origin: germline. Affected: yes. Not counted in ClinVar's aggregate classification.
Comment: This variant is associated with the following publications: (PMID: 18853459)

Eurofins Ntd Llc (ga)
Classification: Uncertain significance. Last evaluated: 2017-01-24. Review status: criteria provided, single submitter. Criteria: EGL Classification Definitions 2015. Collection method: clinical testing. Allele origin: germline. Observed: 4 variant alleles, 3 heterozygotes, 1 homozygote. Not counted in ClinVar's aggregate classification.

Natera, Inc.
Classification: Likely benign for Limb-girdle muscular dystrophy type 2B. Last evaluated: 2020-09-16. Review status: no assertion criteria provided. Collection method: clinical testing. Allele origin: germline. Not counted in ClinVar's aggregate classification.

Dr. Peter K. Rogan Lab, Western University
No classification provided (evidence only). Condition: Clear cell carcinoma of kidney. Review status: no classification provided. Collection method: in vitro. Allele origin: not applicable. Functional consequence: retained intron. Not counted in ClinVar's aggregate classification.

Literature cited by the submitters: PubMed 18853459 (cited by Eurofins Ntd Llc (ga)).